The following is an entry in ClinVar:

ClinVar aggregate classification (germline): Uncertain significance (1 of 4 stars; one submission).

Allele frequency attached by ClinVar (database versions not stated): TOPMed below 0.00001; gnomAD 0.00001; gnomAD exomes 0.00001; ExAC 0.00002.

Submission:

Labcorp Genetics (formerly Invitae), Labcorp
Classification: Uncertain significance. Last evaluated: 2024-10-22. Review status: criteria provided, single submitter. Criteria: Invitae Variant Classification Sherloc (09022015). Collection method: clinical testing. Allele origin: germline.
Comment: This sequence change replaces glutamic acid, which is acidic and polar, with lysine, which is basic and polar, at codon 261 of the ADGRG1 protein (p.Glu261Lys). This variant is present in population databases (rs777964723, gnomAD 0.003%). This variant has not been reported in the literature in individuals affected with ADGRG1-related conditions. ClinVar contains an entry for this variant (Variation ID: 1512741). Invitae Evidence Modeling of protein sequence and biophysical properties (such as structural, functional, and spatial information, amino acid conservation, physicochemical variation, residue mobility, and thermodynamic stability) indicates that this missense variant is not expected to disrupt ADGRG1 protein function with a negative predictive value of 95%. In summary, the available evidence is currently insufficient to determine the role of this variant in disease. Therefore, it has been classified as a Variant of Uncertain Significance.

NM_201525.4(ADGRG1):c.781G>A (p.Glu261Lys)

Gene: ADGRG1 (adhesion G protein-coupled receptor G1; plus strand). Cytogenetic location: 16q21.
Variant type: single nucleotide variant.
Coding change: c.781G>A on transcript NM_201525.4 (MANE Select); coding-DNA position 781, G replaced by A.
Protein change: p.Glu261Lys; replaces glutamic acid 261 with lysine.
Molecular consequence: missense variant.
Genome position (GRCh38, 1-based): chr16:57,655,411, G>A. VCF-style: chr16-57655411-G-A. GRCh37 (hg19) VCF-style: chr16-57689323-G-A.
Other names: c.781G>A, p.Glu261Lys (NM_001145770.3, NM_001145771.3, NM_001145772.3 and 16 more transcripts); c.796G>A, p.Glu266Lys (NM_001145773.3, NM_001370433.1); c.271G>A, p.Glu91Lys (NM_001290142.2); c.256G>A, p.Glu86Lys (NM_001290143.2, NM_001290144.2, NM_001370451.1 and 2 more transcripts); c.625G>A, p.Glu209Lys (NM_001370442.1); short protein forms E209K, E86K, E261K, E91K, E266K.
Identifiers: ClinVar variation 1512741 (VCV001512741.7), dbSNP rs777964723, ClinGen allele CA8078533.
Genomic context (GRCh38, chr16:57,655,411, plus strand): 5'-CGGATCTAGGGGTCCGCATTTGGCTGAGCCCTAAAGGGACCTCTGCAGGAGGAGCAGAGC[G>A]AGATCATGGAGTACTCGGTGCTGCTGCCTCGAACACTCTTCCAGAGGACGAAAGGCCGGA-3'
Protein context (NP_958933.1, residues 251-271): IHSRQEEEQS[Glu261Lys]IMEYSVLLPR